The following is an entry in ClinVar:

NM_002755.4(MAP2K1):c.1180_1181dup (p.Ter394TyrextTer?)

Genes: MAP2K1 (mitogen-activated protein kinase kinase 1; plus strand), SNAPC5 (small nuclear RNA activating complex polypeptide 5; minus strand). Cytogenetic location: 15q22.31.
Variant type: Duplication.
Coding change: c.1180_1181dup on transcript NM_002755.4 (MANE Select); coding-DNA positions 1180 to 1181, 2 bases duplicated (TA; older notation c.1180_1181dupTA).
Protein change: p.Ter394TyrextTer?.
Molecular consequence: frameshift variant, stop lost. On other transcripts: 3 prime UTR variant (1), non-coding transcript variant (1).
Genome position (GRCh38, 1-based): chr15:66,490,613-66,490,614, TA duplicated. VCF-style (leftmost placement, unchanged base first): chr15-66490612-C-CTA. GRCh37 (hg19) VCF-style: chr15-66782950-C-CTA.
Other names: c.*125_*126dup (NM_006049.4); c.1036_1037dup, p.Ter346TyrextTer? (NM_001411065.1).
Identifiers: ClinVar variation 3343301 (VCV003343301.1).

ClinVar aggregate classification (germline): Uncertain significance (1 of 4 stars; one submission).

Submission:

GeneDx
Classification: Uncertain significance. Last evaluated: 2023-05-05. Review status: criteria provided, single submitter. Criteria: GeneDx Variant Classification Process June 2021. Collection method: clinical testing. Allele origin: germline. Affected: yes.
Comment: Not observed at significant frequency in large population cohorts (gnomAD); Normal stop codon changed to a tyrosine codon, leading to the addition of 40 amino acids at the C-terminus; Has not been previously published as pathogenic or benign to our knowledge; This variant is associated with the following publications: (PMID: 29493581)